The following is an entry in ClinVar:

ClinVar aggregate classification (germline): Uncertain significance (1 of 4 stars; one submission).

Conditions:
RYR1-related disorder. Also called: RYR1-related condition; RYR1-related disorders. Identifiers: MedGen CN239331.

Submission:

Labcorp Genetics (formerly Invitae), Labcorp
Classification: Uncertain significance for RYR1-related disorder. Last evaluated: 2023-05-17. Review status: criteria provided, single submitter. Criteria: Invitae Variant Classification Sherloc (09022015). Collection method: clinical testing. Allele origin: germline.
Comment: Advanced modeling of protein sequence and biophysical properties (such as structural, functional, and spatial information, amino acid conservation, physicochemical variation, residue mobility, and thermodynamic stability) has been performed at Invitae for this missense variant, however the output from this modeling did not meet the statistical confidence thresholds required to predict the impact of this variant on RYR1 protein function. This sequence change replaces serine, which is neutral and polar, with threonine, which is neutral and polar, at codon 2345 of the RYR1 protein (p.Ser2345Thr). This variant is not present in population databases (gnomAD no frequency). This missense change has been observed in individual(s) with idiopathic hyper CK-emia and/or malignant hyperthermia susceptibility (PMID: 24433488, 26119398; Invitae). This variant disrupts the p.Ser2345 amino acid residue in RYR1. Other variant(s) that disrupt this residue have been determined to be pathogenic (PMID: 25960145, 31165076). This suggests that this residue is clinically significant, and that variants that disrupt this residue are likely to be disease-causing. In summary, the available evidence is currently insufficient to determine the role of this variant in disease. Therefore, it has been classified as a Variant of Uncertain Significance.

Literature cited by the submitters: PubMed 24433488; PubMed 26119398; PubMed 25960145; PubMed 31165076.

NM_000540.3(RYR1):c.7034G>C (p.Ser2345Thr)

Gene: RYR1 (ryanodine receptor 1; plus strand). Cytogenetic location: 19q13.2.
Variant type: single nucleotide variant.
Coding change: c.7034G>C on transcript NM_000540.3 (MANE Select); coding-DNA position 7034, G replaced by C.
Protein change: p.Ser2345Thr; replaces serine 2345 with threonine.
Molecular consequence: missense variant.
Genome position (GRCh38, 1-based): chr19:38,499,641, G>C. VCF-style: chr19-38499641-G-C. GRCh37 (hg19) VCF-style: chr19-38990281-G-C.
Other names: c.7034G>C, p.Ser2345Thr (NM_001042723.2); short protein forms S2345T.
Identifiers: ClinVar variation 2736878 (VCV002736878.3), dbSNP rs762454967, ClinGen allele CA405667779.